The following is an entry in ClinVar:

NM_017570.5(OPLAH):c.3081dup (p.Arg1028fs)

Gene: OPLAH (5-oxoprolinase, ATP-hydrolysing; minus strand). Cytogenetic location: 8q24.3.
Variant type: Duplication.
Coding change: c.3081dup on transcript NM_017570.5 (MANE Select); coding-DNA position 3081, one base duplicated (G; older notation c.3081dupG).
Protein change: p.Arg1028fs; shifts the reading frame from arginine 1028.
Molecular consequence: frameshift variant.
Genome position (GRCh38, 1-based): chr8:144,052,838, C duplicated on the plus strand (G on the coding strand, the reverse complement: OPLAH is on the minus strand). VCF-style (leftmost placement, unchanged base first): chr8-144052837-G-GC. GRCh37 (hg19) VCF-style: chr8-145107740-G-GC.
Other names: short protein forms R1028fs.
Identifiers: ClinVar variation 3600351 (VCV003600351.2).

ClinVar aggregate classification (germline): Pathogenic (1 of 4 stars; one submission).

Conditions:
5-Oxoprolinase deficiency (OPLAHD). Also called: 5-OXOPROLINURIA DUE TO 5-OXOPROLINASE DEFICIENCY. Identifiers: Orphanet 33572, MedGen C0268525, MONDO:0009825, OMIM 260005, HP:0040142.

Submission:

Molecular Genetics Laboratory, Motol Hospital
Classification: Pathogenic for 5-Oxoprolinase deficiency. Last evaluated: 2025-01-24. Review status: criteria provided, single submitter. Criteria: ACMG Guidelines, 2015. Collection method: clinical testing. Allele origin: germline. Affected: yes. Observed: 1 variant allele.
Comment: This variant was found to be in a compound heterozygous state together with other rare truncating variant NM_017570.5:c.3701C>A. Rare truncating variants affecting the OPLAH gene are documented as a molecular cause of autosomal recessive "5-oxoprolinase deficiency" (OPLAHD; OMIM:260005; PMID:27477828;PMID:23430506;PMID:21651516). To conclude, the variant is classified as pathogenic (ACMG PVS1, PM2, PM3).

Literature cited by the submitters: PubMed 27477828; PubMed 23430506; PubMed 21651516.